The following is an entry in ClinVar:

NM_004281.4(BAG3):c.1591G>T (p.Ala531Ser)

Gene: BAG3 (BAG cochaperone 3; plus strand). Cytogenetic location: 10q26.11.
Variant type: single nucleotide variant.
Coding change: c.1591G>T on transcript NM_004281.4 (MANE Select); coding-DNA position 1591, G replaced by T.
Protein change: p.Ala531Ser; replaces alanine 531 with serine.
Molecular consequence: missense variant.
Genome position (GRCh38, 1-based): chr10:119,677,145, G>T. VCF-style: chr10-119677145-G-T. GRCh37 (hg19) VCF-style: chr10-121436657-G-T.
Other names: short protein forms A531S.
Identifiers: ClinVar variation 2946237 (VCV002946237.3), dbSNP rs2494024652, ClinGen allele CA378297651.

ClinVar aggregate classification (germline): Uncertain significance (1 of 4 stars; one submission).

Conditions:
Dilated cardiomyopathy 1HH (CMD1HH). Identifiers: Orphanet 154, MedGen C3151293, MONDO:0013479, OMIM 613881.
Myofibrillar myopathy 6. Identifiers: Orphanet 199340, MedGen C2751831, MONDO:0013061, OMIM 612954.

Submission:

Labcorp Genetics (formerly Invitae), Labcorp
Classification: Uncertain significance for Dilated cardiomyopathy 1HH; Myofibrillar myopathy 6. Last evaluated: 2026-01-25. Review status: criteria provided, single submitter. Criteria: Invitae Variant Classification Sherloc (09022015). Collection method: clinical testing. Allele origin: germline.
Comment: This sequence change replaces alanine, which is neutral and non-polar, with serine, which is neutral and polar, at codon 531 of the BAG3 protein (p.Ala531Ser). This variant is not present in population databases (gnomAD no frequency). This variant has not been reported in the literature in individuals affected with BAG3-related conditions. ClinVar contains an entry for this variant (Variation ID: 2946237). Invitae Evidence Modeling of protein sequence and biophysical properties (such as structural, functional, and spatial information, amino acid conservation, physicochemical variation, residue mobility, and thermodynamic stability) indicates that this missense variant is not expected to disrupt BAG3 protein function with a negative predictive value of 80%. In summary, the available evidence is currently insufficient to determine the role of this variant in disease. Therefore, it has been classified as a Variant of Uncertain Significance.